The following is an entry in ClinVar:

NM_001370259.2(MEN1):c.1510C>G (p.Leu504Val)

Gene: MEN1 (menin 1; minus strand). Cytogenetic location: 11q13.1.
Variant type: single nucleotide variant.
Coding change: c.1510C>G on transcript NM_001370259.2 (MANE Select); coding-DNA position 1510, C replaced by G.
Protein change: p.Leu504Val; replaces leucine 504 with valine.
Molecular consequence: missense variant.
Genome position (GRCh38, 1-based): chr11:64,804,657, G>C on the plus strand (C>G on the coding strand, the complement: MEN1 is on the minus strand). VCF-style: chr11-64804657-G-C. GRCh37 (hg19) VCF-style: chr11-64572129-G-C.
Other names: c.1525C>G, p.Leu509Val (NM_000244.4, NM_130800.3, NM_130801.3 and 3 more transcripts); c.1636C>G, p.Leu546Val (NM_001370251.2); c.1510C>G, p.Leu504Val (NM_001370260.2, NM_001370261.2, NM_130799.3); c.1405C>G, p.Leu469Val (NM_001370262.2, NM_001370263.2); short protein forms L469V, L546V, L509V, L504V.
Identifiers: ClinVar variation 838391 (VCV000838391.9), dbSNP rs1390530663, ClinGen allele CA381178758.

ClinVar aggregate classification (germline): Uncertain significance (1 of 4 stars; one submission).

Conditions:
Multiple endocrine neoplasia, type 1 (MEN1). Also called: MEA I; MEN I; WERMER SYNDROME; Endocrine adenomatosis multiple; MEN 1. Identifiers: Orphanet 652, MedGen C0025267, MeSH D018761, MONDO:0007540, OMIM 131100.

Submission:

Labcorp Genetics (formerly Invitae), Labcorp
Classification: Uncertain significance for Multiple endocrine neoplasia, type 1. Last evaluated: 2019-04-10. Review status: criteria provided, single submitter. Criteria: Invitae Variant Classification Sherloc (09022015). Collection method: clinical testing. Allele origin: germline.
Comment: This sequence change replaces leucine with valine at codon 504 of the MEN1 protein (p.Leu504Val). The leucine residue is weakly conserved and there is a small physicochemical difference between leucine and valine. This variant is not present in population databases (ExAC no frequency). This variant has not been reported in the literature in individuals with MEN1-related conditions. Algorithms developed to predict the effect of missense changes on protein structure and function (SIFT, PolyPhen-2, Align-GVGD) all suggest that this variant is likely to be tolerated, but these predictions have not been confirmed by published functional studies and their clinical significance is uncertain. In summary, the available evidence is currently insufficient to determine the role of this variant in disease. Therefore, it has been classified as a Variant of Uncertain Significance.